The following is an entry in ClinVar:

ClinVar aggregate classification (germline): Pathogenic. Review status: reviewed by expert panel (3 of 4 stars). 10 submissions from 10 submitters: Pathogenic (1). 9 of the submissions do not count toward it. Last evaluated 2026-02-10.

Conditions:
Autosomal recessive limb-girdle muscular dystrophy. Identifiers: Orphanet 102015, MedGen C2931907, MONDO:0015152.
Neuromuscular disease caused by qualitative or quantitative defects of dysferlin. Also called: Qualitative or quantitative defects of dysferlin; Dysferlinopathy. Identifiers: Orphanet 207073, MedGen C2931687, MONDO:0016145.
Miyoshi muscular dystrophy 1 (MMD1). Identifiers: Orphanet 45448, MedGen C4551973, MONDO:0024545, OMIM 254130.
Autosomal recessive limb-girdle muscular dystrophy type 2B (LGMDR2). Also called: MUSCULAR DYSTROPHY, LIMB-GIRDLE, TYPE 3; Limb-girdle muscular dystrophy, type 2B; MUSCULAR DYSTROPHY, LIMB-GIRDLE, AUTOSOMAL RECESSIVE 2; Limb-Girdle Muscular Dystrophy Type 2B (LGMD2B). Identifiers: Orphanet 268, MedGen C1850889, MONDO:0009676, OMIM 253601.

Allele frequency attached by ClinVar (database versions not stated): gnomAD below 0.00001 and 0.00001; gnomAD exomes 0.00001; ExAC 0.00003.
gnomAD v4.1: 16 of 1,613,810 alleles (0.00099%); highest among the groups gnomAD compares: South Asian, 0.0066%; no homozygotes.

Submissions (10):

ClinGen Limb Girdle Muscular Dystrophy Variant Curation Expert Panel, ClinGen
Classification: Pathogenic for Autosomal recessive limb-girdle muscular dystrophy. Last evaluated: 2026-02-10. Review status: reviewed by expert panel. Criteria: ClinGen LGMD VCEP ACMG Specifications DYSF V2.0.0. Collection method: curation. Allele origin: germline. Inheritance: Autosomal recessive inheritance.
Comment: The NM_003494.4: c.3041A>G variant in DYSF, which is also known as NM_001130987.2: c.3095A>G p.(Tyr1032Cys), is a missense variant predicted to cause substitution of tyrosine by cysteine at amino acid 1014, p.(Tyr1014Cys). This variant has been detected in at least 15 individuals with features consistent with LGMD or dysferlinopathy (PMID: 35723113, 33250842, 30564623, 20544924, 37564451; Jain Foundation Dysferlin Registry internal data communication), 10 of whom were determined to be homozygous (capped at 1 pt, PMID: 35723113, 33250842, 30564623, 20544924, 37564451; Jain Foundation Dysferlin Registry internal data communication). It was also reported in unconfirmed phase with a Pathogenic variant in at least two cases (NM_003494.4: c.5526-1G>A, 0.5 pts, PMID: 20544924; NM_003494.4: c.3327_3328del p.(Phe1110CysfsTer3), 0.5 pts, PMID: 35723113) (PM3_Strong). Multiple individuals homozygous for this variant had a clinical diagnosis or suspicion of LGMD and absent dysferlin protein expression, which is highly specific for DYSF-related LGMD (PMID: 33250842; PP4_Strong). The upper bound of the 95% confidence interval of the Grpmax variant allele frequency in gnomAD v4.1.0 is 0.00013 (6/91074 South Asian chromosomes), which is higher than the VCEP threshold for PM2_Supporting (0.0001) (PM2_Supporting not met). Immunofluorescence and 2-A assays of dysferlin membrane localization in HEK293T cells showed the Tyr1014Cy protein did not reach the cell membrane, indicating an impact on protein function (PMID: 35028538) (PS3_Moderate). The computational predictor REVEL also gives a score of 0.95, which is above the LGMD VCEP threshold of ≥0.70, evidence that correlates with impact to DYSF function (PP3). In summary, this variant meets the criteria to be classified as Pathogenic for autosomal recessive limb girdle muscular dystrophy based on the ACMG/AMP criteria applied, as specified by the ClinGen LGMD VCEP (LGMD VCEP specifications version 2.0.0; 02/10/2026): PM3_Strong, PP4_Strong, PS3_Moderate, PP3.

Natera, Inc.
Classification: Pathogenic for Limb-girdle muscular dystrophy type 2B. Last evaluated: 2025-01-27. Review status: criteria provided, single submitter. Criteria: Natera Variant Classification Schema (03/2026). Collection method: clinical testing. Allele origin: germline. Not counted in ClinVar's aggregate classification.
Comment: The c.3041A>G variant in DYSF is a missense variant predicted to cause substitution of tyrosine to cysteine at amino acid 1014. This variant is rare in the general population with a frequency below the threshold expected for the associated phenotype(s). This variant has been observed in one or more individuals affected with the associated recessive disease, as either homozygous or compound heterozygous with a second variant (PMID: 20544924, 35723113). Computational prediction algorithms indicate this variant is likely to affect gene or protein function. Given the available evidence, this variant is classified as Pathogenic.

Labcorp Genetics (formerly Invitae), Labcorp
Classification: Pathogenic for Neuromuscular disease caused by qualitative or quantitative defects of dysferlin. Last evaluated: 2024-11-15. Review status: criteria provided, single submitter. Criteria: Invitae Variant Classification Sherloc (09022015). Collection method: clinical testing. Allele origin: germline. Not counted in ClinVar's aggregate classification.
Comment: This sequence change replaces tyrosine, which is neutral and polar, with cysteine, which is neutral and slightly polar, at codon 1014 of the DYSF protein (p.Tyr1014Cys). This variant is present in population databases (rs756328339, gnomAD 0.002%). This missense change has been observed in individual(s) with DYSF-related disease (PMID: 15827562, 20544924). This variant is also known as c.3414A>G. ClinVar contains an entry for this variant (Variation ID: 196175). Invitae Evidence Modeling of protein sequence and biophysical properties (such as structural, functional, and spatial information, amino acid conservation, physicochemical variation, residue mobility, and thermodynamic stability) indicates that this missense variant is expected to disrupt DYSF protein function with a positive predictive value of 95%. For these reasons, this variant has been classified as Pathogenic.

Baylor Genetics
Classification: Pathogenic for Miyoshi muscular dystrophy 1. Last evaluated: 2024-02-22. Review status: criteria provided, single submitter. Criteria: ACMG Guidelines, 2015. Collection method: clinical testing. Allele origin: unknown. Not counted in ClinVar's aggregate classification.

Revvity Omics, Revvity
Classification: Pathogenic. Last evaluated: 2024-02-05. Review status: criteria provided, single submitter. Criteria: ACMG Guidelines, 2015. Collection method: clinical testing. Allele origin: germline. Not counted in ClinVar's aggregate classification.

Foundation for Research in Genetics and Endocrinology, FRIGE's Institute of Human Genetics
Classification: Likely pathogenic for Autosomal recessive limb-girdle muscular dystrophy type 2B. Last evaluated: 2023-03-10. Review status: criteria provided, single submitter. Criteria: ACMG Guidelines, 2015. Collection method: clinical testing. Allele origin: germline. Inheritance: Autosomal recessive inheritance. Affected: yes. Observed: 1 homozygote. Not counted in ClinVar's aggregate classification.
Comment: The identified homozygous missense substitution (p.Tyr1014Cys) lies in exon 29 of the DYSF gene and alters a highly conserved residue in the protein. It lies in the DysF domain of the protein, which has a unique fold, variations in which have been reported to be disease-causing . The variant is predicted to be damaging by FATHMM, LRT, Mutation Assessor, Mutation Taster and SIFT. The identified variant has been reported in the dbSNP database with identification number rs756328339 and in the Genome Aggregation Database with an allele frequency of 0.002%; however, no homozygosity has been reported. In the ClinVar database, the identified variant has been reported as pathogenic/likely pathogenic with respect to LGMD. The identified variant has been previously reported in patients affected with dysferlinopathy . The identified missense variant alters a highly conserved residue and is predicted to be damaging to the protein function. It has been previously reported in patients affected with dysferlinopathy. In summary, the variant meets our criteria to be classified as likely pathogenic.

Women's Health and Genetics/Laboratory Corporation of America, LabCorp
Classification: Pathogenic for Autosomal recessive limb-girdle muscular dystrophy. Last evaluated: 2021-12-08. Review status: criteria provided, single submitter. Criteria: LabCorp Variant Classification Summary - May 2015. Collection method: clinical testing. Allele origin: germline. Not counted in ClinVar's aggregate classification.
Comment: Variant summary: DYSF c.3041A>G (p.Tyr1014Cys) results in a non-conservative amino acid change located in the Peroxin/Ferlin domain (IPR006614) of the encoded protein sequence. Five of five in-silico tools predict a damaging effect of the variant on protein function. The variant allele was found at a frequency of 1.2e-05 in 250118 control chromosomes (gnomAD). c.3041A>G has been reported in the literature in multiple individuals who carried the variant in compound heterozygous and homozygous state, and were affected with Limb-Girdle Muscular Dystrophy, Autosomal Recessive (examples: Rosales_2010, Harris_2016, and Chakravorty_2020), and the dysferlin protein was found to be absent in the muscle biopsy samples from several of these homozygous patients (Rosales_2010 and Chakravorty_2020). These data indicate that the variant is very likely to be associated with disease. Five clinical diagnostic laboratories have submitted clinical-significance assessments for this variant to ClinVar after 2014 and all classified the variant as pathogenic/likely pathogenic. Based on the evidence outlined above, the variant was classified as pathogenic.

Athena Diagnostics
Classification: Likely pathogenic. Last evaluated: 2018-11-27. Review status: criteria provided, single submitter. Criteria: Athena Diagnostics Criteria. Collection method: clinical testing. Allele origin: germline. Not counted in ClinVar's aggregate classification.
Comment: The best available variant frequency is uninformative because it is below the disease allele frequency. Found in at least one symptomatic patient. Predicted to have a damaging effect on the protein. Damaging to protein function(s) relevant to disease mechanism.

Eurofins Ntd Llc (ga)
Classification: Pathogenic. Last evaluated: 2016-08-05. Review status: criteria provided, single submitter. Criteria: EGL Classification Definitions 2015. Collection method: clinical testing. Allele origin: germline. Observed: 3 variant alleles, 3 homozygotes. Not counted in ClinVar's aggregate classification.

Counsyl
Classification: Likely pathogenic for Autosomal recessive limb-girdle muscular dystrophy type 2B. Last evaluated: 2016-12-27. Review status: no assertion criteria provided. Collection method: clinical testing. Allele origin: unknown. Not counted in ClinVar's aggregate classification.

Literature cited by the submitters: PubMed 20544924 (cited by 6 submitters); PubMed 35723113 (cited by Natera, Inc.); PubMed 15827562 (cited by 3 submitters); PubMed 33250842 (cited by Women's Health and Genetics/Laboratory Corporation of America, LabCorp); PubMed 27602406 (cited by 3 submitters).

NM_001130987.2(DYSF):c.3095A>G (p.Tyr1032Cys)

Gene: DYSF (dysferlin; plus strand). Cytogenetic location: 2p13.2.
Variant type: single nucleotide variant.
Coding change: c.3095A>G on transcript NM_001130987.2 (MANE Select); coding-DNA position 3095, A replaced by G.
Protein change: p.Tyr1032Cys; replaces tyrosine 1032 with cysteine.
Molecular consequence: missense variant.
Genome position (GRCh38, 1-based): chr2:71,570,608, A>G. VCF-style: chr2-71570608-A-G. GRCh37 (hg19) VCF-style: chr2-71797738-A-G.
Other names: p.Tyr1014Cys; NM_001130987.2(DYSF):c.3095A>G; p.Tyr1032Cys; c.3044A>G, p.Tyr1015Cys (NM_001130455.2, NM_001130983.2); c.2999A>G, p.Tyr1000Cys (NM_001130976.2, NM_001130977.2); c.3041A>G, p.Tyr1014Cys (NM_001130978.2, NM_003494.4); c.3134A>G, p.Tyr1045Cys (NM_001130979.2); c.3092A>G, p.Tyr1031Cys (NM_001130980.2, NM_001130981.2); and 3 more; short protein forms Y1014C, Y1032C, Y1015C, Y1031C, Y1046C, Y1000C, Y1001C, Y1045C.
Identifiers: ClinVar variation 196175 (VCV000196175.26), dbSNP rs756328339, ClinGen allele CA275155.